The following is an entry in ClinVar:

ClinVar aggregate classification (germline): Conflicting classifications of pathogenicity. Review status: criteria provided, conflicting classifications (1 of 4 stars). 4 submissions from 4 submitters: Pathogenic (1); Likely pathogenic (2); Uncertain significance (1). Last evaluated 2026-05-19.

Conditions:
Glycogen storage disease, type V (GSD5). Also called: McArdle type glycogen storage disease; MYOPHOSPHORYLASE DEFICIENCY; MCARDLE DISEASE; MUSCLE GLYCOGEN PHOSPHORYLASE DEFICIENCY; PYGM DEFICIENCY. Identifiers: Orphanet 368, MedGen C0017924, MONDO:0009293, OMIM 232600.

Allele frequency attached by ClinVar (database versions not stated): gnomAD exomes 0.00001.
gnomAD v4.1: 24 of 1,614,138 alleles (0.0015%); highest among the groups gnomAD compares: Non-Finnish European, 0.0017%; no homozygotes.

Submissions (4):

Myriad Genetics, Inc.
Classification: Uncertain significance for Glycogen storage disease, type V. Last evaluated: 2026-05-19. Review status: criteria provided, single submitter. Criteria: Myriad Autosomal Dominant, Autosomal Recessive and X-Linked Classification Criteria (2023). Collection method: clinical testing. Allele origin: unknown.
Comment: NM_005609.2(PYGM):c.1469G>A(R490Q) is a missense variant classified as a variant of uncertain significance in the context of glycogen storage disease, PYGM-related. R490Q has been observed in a case with relevant disease (PMID: 17324573). Relevant functional assessments of this variant are not available in the literature. Internal structural analysis of the variant is supportive of pathogenicity. R490Q has not been observed in referenced population frequency databases. In summary, there is insufficient evidence to classify NM_005609.2(PYGM):c.1469G>A(R490Q) as pathogenic or benign. Please note: this variant was assessed in the context of healthy population screening.

Labcorp Genetics (formerly Invitae), Labcorp
Classification: Pathogenic for Glycogen storage disease, type V. Last evaluated: 2025-10-08. Review status: criteria provided, single submitter. Criteria: Invitae Variant Classification Sherloc (09022015). Collection method: clinical testing. Allele origin: germline.
Comment: This sequence change replaces arginine, which is basic and polar, with glutamine, which is neutral and polar, at codon 490 of the PYGM protein (p.Arg490Gln). This variant is not present in population databases (gnomAD no frequency). This missense change has been observed in individual(s) with PYGM-related conditions (PMID: 17324573). ClinVar contains an entry for this variant (Variation ID: 2137131). Invitae Evidence Modeling of protein sequence and biophysical properties (such as structural, functional, and spatial information, amino acid conservation, physicochemical variation, residue mobility, and thermodynamic stability) indicates that this missense variant is expected to disrupt PYGM protein function with a positive predictive value of 95%. This variant disrupts the p.Arg490 amino acid residue in PYGM. Other variant(s) that disrupt this residue have been observed in individuals with PYGM-related conditions (PMID: 17221871), which suggests that this may be a clinically significant amino acid residue. For these reasons, this variant has been classified as Pathogenic.

Natera, Inc.
Classification: Likely pathogenic for Glycogen storage disease V. Last evaluated: 2025-02-06. Review status: criteria provided, single submitter. Criteria: Natera Variant Classification Schema (03/2026). Collection method: clinical testing. Allele origin: germline.
Comment: The c.1469G>A variant in PYGM is a missense variant predicted to cause substitution of arginine to glutamine at amino acid 490. This variant is rare in the general population with a frequency below the threshold expected for the associated phenotype(s). This variant has been observed in one or more individuals affected with the associated recessive disease, as either homozygous or compound heterozygous with a second variant (PMID: 17324573). A different variant at the same position has been determined to be Pathogenic or Likely Pathogenic. Computational prediction algorithms indicate this variant is likely to affect gene or protein function. Given the available evidence, this variant is classified as Likely Pathogenic.

Fulgent Genetics
Classification: Likely pathogenic for Glycogen storage disease, type V. Last evaluated: 2024-02-16. Review status: criteria provided, single submitter. Criteria: ACMG Guidelines, 2015. Collection method: clinical testing. Allele origin: germline.

Literature cited by the submitters: PubMed 17324573 (cited by 3 submitters); PubMed 17221871 (cited by Labcorp Genetics (formerly Invitae), Labcorp).

NM_005609.4(PYGM):c.1469G>A (p.Arg490Gln)

Gene: PYGM (glycogen phosphorylase, muscle associated; minus strand). Cytogenetic location: 11q13.1.
Variant type: single nucleotide variant.
Coding change: c.1469G>A on transcript NM_005609.4 (MANE Select); coding-DNA position 1469, G replaced by A.
Protein change: p.Arg490Gln; replaces arginine 490 with glutamine.
Molecular consequence: missense variant.
Genome position (GRCh38, 1-based): chr11:64,753,122, C>T on the plus strand (G>A on the coding strand, the complement: PYGM is on the minus strand). VCF-style: chr11-64753122-C-T. GRCh37 (hg19) VCF-style: chr11-64520594-C-T.
Other names: c.1469G>A (NM_005609.3); c.1205G>A, p.Arg402Gln (NM_001164716.1); short protein forms R490Q, R402Q.
Identifiers: ClinVar variation 2137131 (VCV002137131.7), dbSNP rs1592410540, ClinGen allele CA381175038.